The following is an entry in ClinVar:

ClinVar aggregate classification (germline): Uncertain significance (1 of 4 stars; one submission).

Submission:

Ambry Genetics
Classification: Uncertain significance. Last evaluated: 2025-04-18. Review status: criteria provided, single submitter. Criteria: Ambry Variant Classification Scheme 2023. Collection method: clinical testing. Allele origin: germline.
Comment: The p.V188D variant (also known as c.563T>A), located in coding exon 1 of the MC1R gene, results from a T to A substitution at nucleotide position 563. The valine at codon 188 is replaced by aspartic acid, an amino acid with highly dissimilar properties. This amino acid position is conserved. In addition, the in silico prediction for this alteration is inconclusive. Based on the available evidence, the clinical significance of this variant remains unclear.

NM_002386.4(MC1R):c.563T>A (p.Val188Asp)

Gene: MC1R (melanocortin 1 receptor; plus strand). Cytogenetic location: 16q24.3.
Variant type: single nucleotide variant.
Coding change: c.563T>A on transcript NM_002386.4 (MANE Select); coding-DNA position 563, T replaced by A.
Protein change: p.Val188Asp; replaces valine 188 with aspartic acid.
Molecular consequence: missense variant.
Genome position (GRCh38, 1-based): chr16:89,919,821, T>A. VCF-style: chr16-89919821-T-A. GRCh37 (hg19) VCF-style: chr16-89986229-T-A.
Other names: short protein forms V188D.
Identifiers: ClinVar variation 4052417 (VCV004052417.1).
Genomic context (GRCh38, chr16:89,919,821, plus strand): 5'-TCTGGGTGGCCAGTGTCGTCTTCAGCACGCTCTTCATCGCCTACTACGACCACGTGGCCG[T>A]CCTGCTGTGCCTCGTGGTCTTCTTCCTGGCTATGCTGGTGCTCATGGCCGTGCTGTACGT-3'
Protein context (NP_002377.4, residues 178-198): LFIAYYDHVA[Val188Asp]LLCLVVFFLA